The following is an entry in ClinVar:

ClinVar aggregate classification (germline): Uncertain significance (1 of 4 stars; one submission).

Conditions:
Seizures, benign familial infantile, 3 (BFIS3). Also called: CONVULSIONS, BENIGN FAMILIAL INFANTILE, 3; Familial neonatal seizures. Identifiers: Orphanet 140927, Orphanet 306, MedGen C1843140, MONDO:0011904, OMIM 607745.
Developmental and epileptic encephalopathy, 11 (DEE11). Also called: Early infantile epileptic encephalopathy 11. Identifiers: Orphanet 1934, MedGen C3150987, MONDO:0013388, OMIM 613721.

Allele frequency attached by ClinVar (database versions not stated): gnomAD 0.00001; TOPMed 0.00001.
gnomAD v4.1: 2 of 1,613,958 alleles (0.00012%); highest among the groups gnomAD compares: African/African-American, 0.0027%; no homozygotes.

Submission:

Labcorp Genetics (formerly Invitae), Labcorp
Classification: Uncertain significance for Seizures, benign familial infantile, 3; Developmental and epileptic encephalopathy, 11. Last evaluated: 2023-01-26. Review status: criteria provided, single submitter. Criteria: Invitae Variant Classification Sherloc (09022015). Collection method: clinical testing. Allele origin: germline.
Comment: In summary, the available evidence is currently insufficient to determine the role of this variant in disease. Therefore, it has been classified as a Variant of Uncertain Significance. Advanced modeling of protein sequence and biophysical properties (such as structural, functional, and spatial information, amino acid conservation, physicochemical variation, residue mobility, and thermodynamic stability) has been performed at Invitae for this missense variant, however the output from this modeling did not meet the statistical confidence thresholds required to predict the impact of this variant on SCN2A protein function. This variant has not been reported in the literature in individuals affected with SCN2A-related conditions. This variant is not present in population databases (gnomAD no frequency). This sequence change replaces valine, which is neutral and non-polar, with alanine, which is neutral and non-polar, at codon 1176 of the SCN2A protein (p.Val1176Ala).

NM_001040142.2(SCN2A):c.3527T>C (p.Val1176Ala)

Gene: SCN2A (sodium voltage-gated channel alpha subunit 2; plus strand). Cytogenetic location: 2q24.3.
Variant type: single nucleotide variant.
Coding change: c.3527T>C on transcript NM_001040142.2 (MANE Select); coding-DNA position 3527, T replaced by C.
Protein change: p.Val1176Ala; replaces valine 1176 with alanine.
Molecular consequence: missense variant.
Genome position (GRCh38, 1-based): chr2:165,367,223, T>C. VCF-style: chr2-165367223-T-C. GRCh37 (hg19) VCF-style: chr2-166223733-T-C.
Other names: c.3527T>C, p.Val1176Ala (NM_001040143.2, NM_001371246.1, NM_001371247.1 and 1 more transcripts); short protein forms V1176A.
Identifiers: ClinVar variation 2938199 (VCV002938199.3), dbSNP rs1276620146, ClinGen allele CA349025751.